The following is an entry in ClinVar:

ClinVar aggregate classification (germline): Uncertain significance (1 of 4 stars; one submission).

Conditions:
Werner syndrome (WRN). Identifiers: Orphanet 902, MedGen C0043119, MONDO:0010196, OMIM 277700.

Submission:

Labcorp Genetics (formerly Invitae), Labcorp
Classification: Uncertain significance for Werner syndrome. Last evaluated: 2020-09-01. Review status: criteria provided, single submitter. Criteria: Invitae Variant Classification Sherloc (09022015). Collection method: clinical testing. Allele origin: germline.
Comment: In summary, the available evidence is currently insufficient to determine the role of this variant in disease. Therefore, it has been classified as a Variant of Uncertain Significance. Algorithms developed to predict the effect of missense changes on protein structure and function are either unavailable or do not agree on the potential impact of this missense change (SIFT: "Not Available"; PolyPhen-2: "Benign"; Align-GVGD: "Not Available"). This variant has not been reported in the literature in individuals with WRN-related conditions. This variant is not present in population databases (ExAC no frequency). This sequence change replaces arginine with glycine at codon 369 of the WRN protein (p.Arg369Gly). The arginine residue is weakly conserved and there is a moderate physicochemical difference between arginine and glycine.

NM_000553.6(WRN):c.1105C>G (p.Arg369Gly)

Gene: WRN (WRN RecQ like helicase; plus strand). Cytogenetic location: 8p12.
Variant type: single nucleotide variant.
Coding change: c.1105C>G on transcript NM_000553.6 (MANE Select); coding-DNA position 1105, C replaced by G.
Protein change: p.Arg369Gly; replaces arginine 369 with glycine.
Molecular consequence: missense variant.
Genome position (GRCh38, 1-based): chr8:31,081,132, C>G. VCF-style: chr8-31081132-C-G. GRCh37 (hg19) VCF-style: chr8-30938648-C-G.
Other names: short protein forms R369G.
Identifiers: ClinVar variation 1015945 (VCV001015945.3), dbSNP rs17847577, ClinGen allele CA370920739.
Genomic context (GRCh38, chr8:31,081,132, plus strand): 5'-CCAACACTTGATCATTTAGCTAAACATGATGGAGAAGATGTACTTGGAAATAAAGTGGAA[C>G]GAAAAGAAGATGGATTTGAAGATGGAGTAGAAGACAACAAATTGAAAGAGAATATGGAAA-3'
Protein context (NP_000544.2, residues 359-379): GEDVLGNKVE[Arg369Gly]KEDGFEDGVE